The following is an entry in ClinVar:

ClinVar aggregate classification (germline): Uncertain significance (1 of 4 stars; one submission).

Conditions:
Very long chain acyl-CoA dehydrogenase deficiency (ACADVLD). Also called: Very Long-Chain Acyl-Coenzyme A Dehydrogenase Deficiency; VLCAD Deficiency. Identifiers: Orphanet 26793, MedGen C3887523, MONDO:0008723, OMIM 201475.

Allele frequency attached by ClinVar (database versions not stated): gnomAD exomes below 0.00001.
gnomAD v4.1: 1 of 1,613,808 alleles (0.000062%); highest among the groups gnomAD compares: Admixed American, 0.0017%; no homozygotes.

Submission:

Wong Mito Lab, Molecular and Human Genetics, Baylor College of Medicine
Classification: Uncertain significance for Very long chain acyl-CoA dehydrogenase deficiency. Last evaluated: 2019-11-01. Review status: criteria provided, single submitter. Criteria: ACMG Guidelines, 2015. Collection method: clinical testing. Allele origin: germline.
Comment: The NM_000018.3:c.461G>C (NP_000009.1:p.Gly154Ala) [GRCH38: NC_000017.11:g.7221042G>C] variant in ACADVL gene is interpretated to be Uncertain Significance based on ACMG guidelines (PMID: 25741868). This variant has been reported. This variant meets the following evidence codes reported in the ACMG guidelines: PM1, PP3

NM_000018.4(ACADVL):c.461G>C (p.Gly154Ala)

Gene: ACADVL (acyl-CoA dehydrogenase very long chain; plus strand). Cytogenetic location: 17p13.1.
Variant type: single nucleotide variant.
Coding change: c.461G>C on transcript NM_000018.4 (MANE Select); coding-DNA position 461, G replaced by C.
Protein change: p.Gly154Ala; replaces glycine 154 with alanine.
Molecular consequence: missense variant.
Genome position (GRCh38, 1-based): chr17:7,221,042, G>C. VCF-style: chr17-7221042-G-C. GRCh37 (hg19) VCF-style: chr17-7124361-G-C.
Other names: c.395G>C, p.Gly132Ala (NM_001033859.3); c.530G>C, p.Gly177Ala (NM_001270447.2); c.233G>C, p.Gly78Ala (NM_001270448.2); short protein forms G132A, G78A, G154A, G177A.
Identifiers: ClinVar variation 932857 (VCV000932857.2), dbSNP rs2071188406, ClinGen allele CA397722948.